The following is an entry in ClinVar:

ClinVar aggregate classification (germline): Uncertain significance (1 of 4 stars; one submission).

Allele frequency attached by ClinVar (database versions not stated): gnomAD exomes below 0.00001; TOPMed below 0.00001.
gnomAD v4.1: 1 of 1,535,668 alleles (0.000065%); highest among the groups gnomAD compares: Non-Finnish European, 0.00009%; no homozygotes.

Submission:

Labcorp Genetics (formerly Invitae), Labcorp
Classification: Uncertain significance. Last evaluated: 2024-01-09. Review status: criteria provided, single submitter. Criteria: Invitae Variant Classification Sherloc (09022015). Collection method: clinical testing. Allele origin: germline.
Comment: This sequence change replaces proline, which is neutral and non-polar, with threonine, which is neutral and polar, at codon 342 of the DARS protein (p.Pro342Thr). This variant is not present in population databases (gnomAD no frequency). This variant has not been reported in the literature in individuals affected with DARS-related conditions. ClinVar contains an entry for this variant (Variation ID: 1682553). Advanced modeling of protein sequence and biophysical properties (such as structural, functional, and spatial information, amino acid conservation, physicochemical variation, residue mobility, and thermodynamic stability) performed at Invitae indicates that this missense variant is not expected to disrupt DARS protein function with a negative predictive value of 80%. In summary, the available evidence is currently insufficient to determine the role of this variant in disease. Therefore, it has been classified as a Variant of Uncertain Significance.

NM_001349.4(DARS1):c.1024C>A (p.Pro342Thr)

Gene: DARS1 (aspartyl-tRNA synthetase 1; minus strand). Cytogenetic location: 2q21.3.
Variant type: single nucleotide variant.
Coding change: c.1024C>A on transcript NM_001349.4 (MANE Select); coding-DNA position 1024, C replaced by A.
Protein change: p.Pro342Thr; replaces proline 342 with threonine.
Molecular consequence: missense variant.
Genome position (GRCh38, 1-based): chr2:135,916,308, G>T on the plus strand (C>A on the coding strand, the complement: DARS1 is on the minus strand). VCF-style: chr2-135916308-G-T. GRCh37 (hg19) VCF-style: chr2-136673878-G-T.
Other names: c.724C>A, p.Pro242Thr (NM_001293312.1); short protein forms P242T, P342T.
Identifiers: ClinVar variation 1682553 (VCV001682553.6), dbSNP rs1681004452, ClinGen allele CA348650418.